The following is an entry in ClinVar:

ClinVar aggregate classification (germline): Uncertain significance (1 of 4 stars; one submission).

Conditions:
Alstrom syndrome (ALMS). Identifiers: Orphanet 64, MedGen C0268425, MONDO:0008763, OMIM 203800.

Allele frequency attached by ClinVar (database versions not stated): gnomAD 0.00001.

Submission:

Labcorp Genetics (formerly Invitae), Labcorp
Classification: Uncertain significance for Alstrom syndrome. Last evaluated: 2024-02-12. Review status: criteria provided, single submitter. Criteria: Invitae Variant Classification Sherloc (09022015). Collection method: clinical testing. Allele origin: germline.
Comment: This variant, c.107_109dup, results in the insertion of 1 amino acid(s) of the ALMS1 protein (p.Ala36_Asn37insThr), but otherwise preserves the integrity of the reading frame. This variant is present in population databases (no rsID available, gnomAD 0.01%). This variant has not been reported in the literature in individuals affected with ALMS1-related conditions. ClinVar contains an entry for this variant (Variation ID: 1936263). Experimental studies and prediction algorithms are not available or were not evaluated, and the functional significance of this variant is currently unknown. In summary, the available evidence is currently insufficient to determine the role of this variant in disease. Therefore, it has been classified as a Variant of Uncertain Significance.

NM_001378454.1(ALMS1):c.104_106dup (p.Ala35_Asn36insThr)

Gene: ALMS1 (ALMS1 centrosome and basal body associated protein; plus strand). Cytogenetic location: 2p13.1.
Variant type: Duplication.
Coding change: c.104_106dup on transcript NM_001378454.1 (MANE Select); coding-DNA positions 104 to 106, 3 bases duplicated (CGA; older notation c.104_106dupCGA).
Protein change: p.Ala35_Asn36insThr.
Molecular consequence: inframe insertion.
Genome position (GRCh38, 1-based): chr2:73,385,972-73,385,974, CGA duplicated. VCF-style (leftmost placement, unchanged base first): chr2-73385971-G-GCGA. GRCh37 (hg19) VCF-style: chr2-73613099-G-GCGA.
Other names: c.107_109dup, p.Ala36_Asn37insThr (NM_015120.4).
Identifiers: ClinVar variation 1936263 (VCV001936263.4), dbSNP rs1558624672, ClinGen allele CA534125593.